The following is an entry in ClinVar:

ClinVar aggregate classification (germline): Uncertain significance (1 of 4 stars; one submission).

Allele frequency attached by ClinVar (database versions not stated): gnomAD exomes below 0.00001.
gnomAD v4.1: 3 of 1,526,550 alleles (0.0002%); highest among the groups gnomAD compares: South Asian, 0.0023%; no homozygotes.

Submission:

Labcorp Genetics (formerly Invitae), Labcorp
Classification: Uncertain significance. Last evaluated: 2022-01-19. Review status: criteria provided, single submitter. Criteria: Invitae Variant Classification Sherloc (09022015). Collection method: clinical testing. Allele origin: germline.
Comment: In summary, the available evidence is currently insufficient to determine the role of this variant in disease. Therefore, it has been classified as a Variant of Uncertain Significance. Algorithms developed to predict the effect of missense changes on protein structure and function are either unavailable or do not agree on the potential impact of this missense change (SIFT: "Deleterious"; PolyPhen-2: "Probably Damaging"; Align-GVGD: "Class C0"). This variant has not been reported in the literature in individuals affected with POLE2-related conditions. This variant is present in population databases (no rsID available, gnomAD 0.007%). This sequence change replaces cysteine, which is neutral and slightly polar, with tyrosine, which is neutral and polar, at codon 403 of the POLE2 protein (p.Cys403Tyr).

NM_002692.4(POLE2):c.1208G>A (p.Cys403Tyr)

Gene: POLE2 (DNA polymerase epsilon 2, accessory subunit; minus strand). Cytogenetic location: 14q21.3.
Variant type: single nucleotide variant.
Coding change: c.1208G>A on transcript NM_002692.4 (MANE Select); coding-DNA position 1208, G replaced by A.
Protein change: p.Cys403Tyr; replaces cysteine 403 with tyrosine.
Molecular consequence: missense variant.
Genome position (GRCh38, 1-based): chr14:49,653,993, C>T on the plus strand (G>A on the coding strand, the complement: POLE2 is on the minus strand). VCF-style: chr14-49653993-C-T. GRCh37 (hg19) VCF-style: chr14-50120711-C-T.
Other names: c.1130G>A, p.Cys377Tyr (NM_001197330.2); c.1208G>A, p.Cys403Tyr (NM_001197331.3); c.1205G>A, p.Cys402Tyr (NM_001348384.2); c.977G>A, p.Cys326Tyr (NM_001348385.2); short protein forms C377Y, C402Y, C403Y, C326Y.
Identifiers: ClinVar variation 2088126 (VCV002088126.4), dbSNP rs1279459158, ClinGen allele CA389599991.